The following is an entry in ClinVar:

NM_002907.4(RECQL):c.1098+1G>A

Gene: RECQL (RecQ like helicase; minus strand). Cytogenetic location: 12p12.1.
Variant type: single nucleotide variant.
Coding change: c.1098+1G>A on transcript NM_002907.4 (MANE Select); the canonical splice donor site of the intron after coding-DNA position 1098, G replaced by A.
Molecular consequence: splice donor variant.
Genome position (GRCh38, 1-based): chr12:21,475,675, C>T on the plus strand (G>A on the coding strand, the complement: RECQL is on the minus strand). VCF-style: chr12-21475675-C-T. GRCh37 (hg19) VCF-style: chr12-21628609-C-T.
Other names: c.1098+1G>A (NM_032941.3).
Identifiers: ClinVar variation 967538 (VCV000967538.13), dbSNP rs373021457, ClinGen allele CA6478867.
Genomic context (GRCh38, chr12:21,475,675, plus strand): 5'-TTAAATCAAGTTTAAATATTTTAAAGGTAAATTAGGCTTCTATGGAAGATATAGACCTAA[C>T]CTGAATTTCATTGGCTGACCATTTTCTATGAACTGTGGTCTTATCTTCTGGCTCCAAATT-3'

ClinVar aggregate classification (germline): Uncertain significance. Review status: criteria provided, multiple submitters, no conflicts (2 of 4 stars). 3 submissions from 3 submitters: Uncertain significance (3). Last evaluated 2025-07-10.

Allele frequency attached by ClinVar (database versions not stated): gnomAD exomes 0.00002 and 0.00005; ExAC 0.00003; gnomAD 0.00005 and 0.00006; TOPMed 0.00006; ESP Exome Variant Server 0.00008.
gnomAD v4.1: 46 of 1,613,020 alleles (0.0029%); highest among the groups gnomAD compares: Non-Finnish European, 0.0017%; no homozygotes.

Submissions (3):

Labcorp Genetics (formerly Invitae), Labcorp
Classification: Uncertain significance. Last evaluated: 2025-07-10. Review status: criteria provided, single submitter. Criteria: Invitae Variant Classification Sherloc (09022015). Collection method: clinical testing. Allele origin: germline.
Comment: This sequence change affects a donor splice site in intron 9 of the RECQL gene. It is expected to disrupt RNA splicing. Variants that disrupt the donor or acceptor splice site typically lead to a loss of protein function (PMID: 16199547), however the current clinical and genetic evidence is not sufficient to establish whether loss-of-function variants in RECQL cause disease. This variant is present in population databases (rs373021457, gnomAD 0.09%), and has an allele count higher than expected for a pathogenic variant. This variant has not been reported in the literature in individuals affected with RECQL-related conditions. ClinVar contains an entry for this variant (Variation ID: 967538). Algorithms developed to predict the effect of sequence changes on RNA splicing suggest that this variant may disrupt the consensus splice site. In summary, the available evidence is currently insufficient to determine the role of this variant in disease. Therefore, it has been classified as a Variant of Uncertain Significance.

Quest Diagnostics Nichols Institute San Juan Capistrano
Classification: Uncertain significance. Last evaluated: 2024-12-19. Review status: criteria provided, single submitter. Criteria: Quest Diagnostics criteria. Collection method: clinical testing. Allele origin: unknown.
Comment: The RECQL c.1098+1G>A variant disrupts a canonical splice-donor site and is predicted to interfere with normal RECQL mRNA splicing. This variant has been reported in the published literature in individuals with endometrial cancer (PMID: 36744932 (2023)), head and neck cancer, and pancreatic cancer (PMIDs: 29625052 (2018), 36451132 (2022)). In a large-scale breast cancer association study, this variant has been observed in reportedly healthy individuals (PMID: 33471991 (2021), see also LOVD). The frequency of this variant in the general population (Genome Aggregation Database) is higher than would generally be expected for pathogenic variants in this gene. Analysis of this variant using software algorithms for the prediction of the effect of nucleotide changes on splicing yielded predictions that this variant may affect proper RECQL mRNA splicing. Based on the available information, we are unable to determine the clinical significance of this variant.

GeneDx
Classification: Uncertain significance. Last evaluated: 2023-07-20. Review status: criteria provided, single submitter. Criteria: GeneDx Variant Classification Process June 2021. Collection method: clinical testing. Allele origin: germline. Affected: yes.
Comment: Canonical splice site variant in a gene for which loss-of-function is not an established mechanism of disease; Observed in individuals with pancreatic cancer or head/neck squamous cell carcinoma and in unaffected control(s) (Huang et al., 2018; Li et al., 2018; Yang et al., 2022); Variants in candidate genes are classified as variants of uncertain significance in accordance with ACMG guidelines (Richards et al., 2015); This variant is associated with the following publications: (PMID: 29625052, 30224651, 36451132, 32517021)

Literature cited by the submitters: PubMed 16199547 (cited by Labcorp Genetics (formerly Invitae), Labcorp); PubMed 36451132 (cited by Quest Diagnostics Nichols Institute San Juan Capistrano); PubMed 29625052 (cited by Quest Diagnostics Nichols Institute San Juan Capistrano); PubMed 33471991 (cited by Quest Diagnostics Nichols Institute San Juan Capistrano); PubMed 30224651 (cited by Quest Diagnostics Nichols Institute San Juan Capistrano); PubMed 36744932 (cited by Quest Diagnostics Nichols Institute San Juan Capistrano).